The following is an entry in ClinVar:

ClinVar aggregate classification (germline): Conflicting classifications of pathogenicity. Review status: criteria provided, conflicting classifications (1 of 4 stars). 3 submissions from 3 submitters: Likely pathogenic (1); Uncertain significance (2). Last evaluated 2022-02-25.

Conditions:
Charcot-Marie-Tooth disease type 2. Also called: Charcot-Marie-Tooth type 2. Identifiers: Orphanet 64746, MedGen C0270914, MONDO:0018993.

Submissions (3):

Labcorp Genetics (formerly Invitae), Labcorp
Classification: Likely pathogenic for Charcot-Marie-Tooth disease type 2. Last evaluated: 2022-02-25. Review status: criteria provided, single submitter. Criteria: Invitae Variant Classification Sherloc (09022015). Collection method: clinical testing. Allele origin: germline.
Comment: In summary, the currently available evidence indicates that the variant is pathogenic, but additional data are needed to prove that conclusively. Therefore, this variant has been classified as Likely Pathogenic. Algorithms developed to predict the effect of missense changes on protein structure and function (SIFT, PolyPhen-2, Align-GVGD) all suggest that this variant is likely to be disruptive. ClinVar contains an entry for this variant (Variation ID: 498978). This missense change has been observed in individual(s) with a clinical presentation consistent with a laminopathy (Invitae). In at least one individual the variant was observed to be de novo. This variant is not present in population databases (gnomAD no frequency). This sequence change replaces glutamic acid, which is acidic and polar, with lysine, which is basic and polar, at codon 372 of the LMNA protein (p.Glu372Lys).

Revvity Omics, Revvity
Classification: Uncertain significance. Last evaluated: 2019-03-14. Review status: criteria provided, single submitter. Criteria: ACMG Guidelines, 2015. Collection method: clinical testing. Allele origin: germline.

Eurofins Ntd Llc (ga)
Classification: Uncertain significance. Last evaluated: 2016-12-20. Review status: criteria provided, single submitter. Criteria: EGL Classification Definitions 2015. Collection method: clinical testing. Allele origin: germline. Observed: 1 variant allele, 1 heterozygote.

NM_170707.4(LMNA):c.1114G>A (p.Glu372Lys)

Gene: LMNA (lamin A/C; plus strand). Cytogenetic location: 1q22.
Variant type: single nucleotide variant.
Coding change: c.1114G>A on transcript NM_170707.4 (MANE Select); coding-DNA position 1114, G replaced by A.
Protein change: p.Glu372Lys; replaces glutamic acid 372 with lysine.
Molecular consequence: missense variant.
Genome position (GRCh38, 1-based): chr1:156,136,078, G>A. VCF-style: chr1-156136078-G-A. GRCh37 (hg19) VCF-style: chr1-156105869-G-A.
Other names: c.778G>A, p.Glu260Lys (NM_001257374.3); c.871G>A, p.Glu291Lys (NM_001282624.2); c.1114G>A, p.Glu372Lys (NM_001282625.2, NM_001282626.2, NM_005572.4 and 1 more transcripts); short protein forms E372K, E260K, E291K.
Identifiers: ClinVar variation 498978 (VCV000498978.16), dbSNP rs1553265733, ClinGen allele CA342820494.